The following is an entry in ClinVar:

ClinVar aggregate classification (germline): Uncertain significance (1 of 4 stars; one submission).

Submission:

Labcorp Genetics (formerly Invitae), Labcorp
Classification: Uncertain significance. Last evaluated: 2025-07-09. Review status: criteria provided, single submitter. Criteria: Invitae Variant Classification Sherloc (09022015). Collection method: clinical testing. Allele origin: germline.
Comment: This sequence change replaces aspartic acid, which is acidic and polar, with asparagine, which is neutral and polar, at codon 312 of the CFI protein (p.Asp312Asn). This variant is not present in population databases (gnomAD no frequency). This variant has not been reported in the literature in individuals affected with CFI-related conditions. Invitae Evidence Modeling of protein sequence and biophysical properties (such as structural, functional, and spatial information, amino acid conservation, physicochemical variation, residue mobility, and thermodynamic stability) indicates that this missense variant is not expected to disrupt CFI protein function with a negative predictive value of 80%. In summary, the available evidence is currently insufficient to determine the role of this variant in disease. Therefore, it has been classified as a Variant of Uncertain Significance.

NM_000204.5(CFI):c.934G>A (p.Asp312Asn)

Gene: CFI (complement factor I; minus strand). Cytogenetic location: 4q25.
Variant type: single nucleotide variant.
Coding change: c.934G>A on transcript NM_000204.5 (MANE Select); coding-DNA position 934, G replaced by A.
Protein change: p.Asp312Asn; replaces aspartic acid 312 with asparagine.
Molecular consequence: missense variant. On other transcripts: non-coding transcript variant (3), intron variant (1).
Genome position (GRCh38, 1-based): chr4:109,752,474, C>T on the plus strand (G>A on the coding strand, the complement: CFI is on the minus strand). VCF-style: chr4-109752474-C-T. GRCh37 (hg19) VCF-style: chr4-110673630-C-T.
Other names: c.958G>A, p.Asp320Asn (NM_001318057.2, NM_001375278.1, NM_001440988.1); c.913G>A, p.Asp305Asn (NM_001331035.2, NM_001375280.1, NM_001375282.1 and 1 more transcripts); c.934G>A, p.Asp312Asn (NM_001375279.1, NM_001375281.1, NM_001440989.1); c.325G>A, p.Asp109Asn (NM_001375284.1); c.955G>A, p.Asp319Asn (NM_001440985.1, NM_001440986.1); c.884-2872G>A (NM_001375283.1); short protein forms D109N, D305N, D312N, D319N, D320N.
Identifiers: ClinVar variation 4805802 (VCV004805802.1).